The following is an entry in ClinVar:

ClinVar aggregate classification (germline): Uncertain significance (1 of 4 stars; one submission).

Conditions:
Hereditary cancer-predisposing syndrome. Also called: Neoplastic Syndromes, Hereditary; Tumor predisposition; Hereditary Cancer Syndrome; Hereditary neoplastic syndrome. Identifiers: Orphanet 140162, MedGen C0027672, MeSH D009386, MONDO:0015356.

Submission:

Ambry Genetics
Classification: Uncertain significance for Hereditary cancer-predisposing syndrome. Last evaluated: 2026-04-30. Review status: criteria provided, single submitter. Criteria: Ambry Variant Classification Scheme 2023. Collection method: clinical testing. Allele origin: germline.
Comment: The p.E2140* variant (also known as c.6418G>T), located in coding exon 46 of the POLE gene, results from a G to T substitution at nucleotide position 6418. This changes the amino acid from a glutamic acid to a stop codon within coding exon 46. This alteration is expected to result in loss of function by premature protein truncation or nonsense-mediated mRNA decay. Although biallelic loss of function of POLE has been associated with autosomal recessive POLE deficiency, haploinsufficiency of POLE has not been established as a mechanism of disease for POLE-related polymerase proofreading-associated polyposis (PPAP) and POLE-related CMMRD-like syndrome. Based on the supporting evidence, this variant is expected to be causative of POLE deficiency when present along with a second pathogenic variant on the other allele; however, its clinical significance for PPAP and POLE-related CMMRD-like syndrome is unclear.

NM_006231.4(POLE):c.6418G>T (p.Glu2140Ter)

Gene: POLE (DNA polymerase epsilon, catalytic subunit; minus strand). Cytogenetic location: 12q24.33.
Variant type: single nucleotide variant.
Coding change: c.6418G>T on transcript NM_006231.4 (MANE Select); coding-DNA position 6418, G replaced by T.
Protein change: p.Glu2140Ter; replaces glutamic acid 2140 with a stop codon.
Molecular consequence: nonsense.
Genome position (GRCh38, 1-based): chr12:132,626,230, C>A on the plus strand (G>T on the coding strand, the complement: POLE is on the minus strand). VCF-style: chr12-132626230-C-A. GRCh37 (hg19) VCF-style: chr12-133202816-C-A.
Other names: short protein forms E2140*.
Identifiers: ClinVar variation 4862277 (VCV004862277.1).